The following is an entry in ClinVar:

ClinVar aggregate classification (germline): Uncertain significance. Review status: criteria provided, multiple submitters, no conflicts (2 of 4 stars). 3 submissions from 3 submitters: Uncertain significance (2). 1 of the submissions does not count toward it. Last evaluated 2024-12-02.

Conditions:
Hereditary cancer-predisposing syndrome. Also called: Tumor predisposition; Hereditary Cancer Syndrome; Neoplastic Syndromes, Hereditary; Hereditary neoplastic syndrome. Identifiers: Orphanet 140162, MedGen C0027672, MeSH D009386, MONDO:0015356.
Hereditary breast ovarian cancer syndrome. Also called: Hereditary breast and ovarian cancer; Breast and ovarian cancer; Hereditary breast and/or ovarian cancer syndrome; BRCA1- and BRCA2-Associated Hereditary Breast and Ovarian Cancer; Hereditary breast and ovarian cancer syndrome; Hereditary breast and ovarian cancer syndrome (HBOC). Identifiers: Orphanet 145, MedGen C0677776, MeSH D061325, MONDO:0003582. Disease mechanism: loss of function.
Breast-ovarian cancer, familial, susceptibility to, 2 (BROVCA2). Also called: BRCA2 Hereditary Breast and Ovarian Cancer. Identifiers: Orphanet 145, MedGen C2675520, MONDO:0012933, OMIM 612555. Disease mechanism: loss of function.

Allele frequency attached by ClinVar (database versions not stated): gnomAD 0.00001.
gnomAD v4.1: 1 of 1,613,978 alleles (0.000062%); no homozygotes.

Submissions (3):

Labcorp Genetics (formerly Invitae), Labcorp
Classification: Uncertain significance for Hereditary breast ovarian cancer syndrome. Last evaluated: 2024-12-02. Review status: criteria provided, single submitter. Criteria: Invitae Variant Classification Sherloc (09022015). Collection method: clinical testing. Allele origin: germline.
Comment: This sequence change replaces isoleucine, which is neutral and non-polar, with valine, which is neutral and non-polar, at codon 14 of the BRCA2 protein (p.Ile14Val). This variant is present in population databases (no rsID available, gnomAD no frequency). This missense change has been observed in individual(s) with breast or ovarian cancer (PMID: 27495310). ClinVar contains an entry for this variant (Variation ID: 254644). Invitae Evidence Modeling of protein sequence and biophysical properties (such as structural, functional, and spatial information, amino acid conservation, physicochemical variation, residue mobility, and thermodynamic stability) indicates that this missense variant is not expected to disrupt BRCA2 protein function with a negative predictive value of 95%. In summary, the available evidence is currently insufficient to determine the role of this variant in disease. Therefore, it has been classified as a Variant of Uncertain Significance.

Ambry Genetics
Classification: Uncertain significance for Hereditary cancer-predisposing syndrome. Last evaluated: 2020-04-06. Review status: criteria provided, single submitter. Criteria: Ambry Variant Classification Scheme 2023. Collection method: clinical testing. Allele origin: germline.
Comment: The p.I14V variant (also known as c.40A>G), located in coding exon 1 of the BRCA2 gene, results from an A to G substitution at nucleotide position 40. The isoleucine at codon 14 is replaced by valine, an amino acid with highly similar properties. This variant was identified in a cohort of Norwegian individuals with a family history of breast and/or ovarian cancer (Jarhelle E et al. Fam. Cancer. 2017 01;16:1-16). This amino acid position is highly conserved in available vertebrate species. In addition, this alteration is predicted to be tolerated by in silico analysis. Since supporting evidence is limited at this time, the clinical significance of this alteration remains unclear.

Department of Medical Genetics, University Hospital of North Norway
Classification: Uncertain significance for Breast-ovarian cancer, familial, susceptibility to, 2. Last evaluated: 2016-05-01. Review status: no assertion criteria provided. Collection method: clinical testing. Allele origin: germline. Affected: yes. Observed: 1 variant allele. Not counted in ClinVar's aggregate classification.

Literature cited by the submitters: PubMed 27495310 (cited by 3 submitters).

NM_000059.4(BRCA2):c.40A>G (p.Ile14Val)

Gene: BRCA2 (BRCA2 DNA repair associated; plus strand). Cytogenetic location: 13q13.1.
Variant type: single nucleotide variant.
Coding change: c.40A>G on transcript NM_000059.4 (MANE Select); coding-DNA position 40, A replaced by G.
Protein change: p.Ile14Val; replaces isoleucine 14 with valine.
Molecular consequence: missense variant.
Genome position (GRCh38, 1-based): chr13:32,316,500, A>G. VCF-style: chr13-32316500-A-G. GRCh37 (hg19) VCF-style: chr13-32890637-A-G.
Other names: short protein forms I14V.
Identifiers: ClinVar variation 254644 (VCV000254644.6), dbSNP rs886038198, ClinGen allele CA10586675.